The following is an entry in ClinVar:

ClinVar aggregate classification (germline): Pathogenic (1 of 4 stars; one submission).

Conditions:
Hereditary cancer-predisposing syndrome. Also called: Tumor predisposition; Neoplastic Syndromes, Hereditary; Hereditary neoplastic syndrome; Hereditary Cancer Syndrome. Identifiers: Orphanet 140162, MedGen C0027672, MeSH D009386, MONDO:0015356.

Submission:

Ambry Genetics
Classification: Pathogenic for Hereditary cancer-predisposing syndrome. Last evaluated: 2024-09-26. Review status: criteria provided, single submitter. Criteria: Ambry Variant Classification Scheme 2023. Collection method: clinical testing. Allele origin: germline.
Comment: The p.Y604* pathogenic mutation (also known as c.1812C>G), located in coding exon 14 of the SDHA gene, results from a C to G substitution at nucleotide position 1812. This changes the amino acid from a tyrosine to a stop codon within coding exon 14. This variant is considered to be rare based on population cohorts in the Genome Aggregation Database (gnomAD). This alteration is expected to result in loss of function by premature protein truncation or nonsense-mediated mRNA decay. As such, this alteration is interpreted as a disease-causing mutation.

NM_004168.4(SDHA):c.1812C>G (p.Tyr604Ter)

Gene: SDHA (succinate dehydrogenase complex flavoprotein subunit A; plus strand). Cytogenetic location: 5p15.33.
Variant type: single nucleotide variant.
Coding change: c.1812C>G on transcript NM_004168.4 (MANE Select); coding-DNA position 1812, C replaced by G.
Protein change: p.Tyr604Ter; replaces tyrosine 604 with a stop codon.
Molecular consequence: nonsense.
Genome position (GRCh38, 1-based): chr5:254,410, C>G. VCF-style: chr5-254410-C-G. GRCh37 (hg19) VCF-style: chr5-254525-C-G.
Other names: c.1668C>G, p.Tyr556Ter (NM_001294332.2); c.1569C>G, p.Tyr523Ter (NM_001330758.2); short protein forms Y604*, Y523*, Y556*.
Identifiers: ClinVar variation 3438696 (VCV003438696.1).